The following is an entry in ClinVar:

ClinVar aggregate classification (germline): Likely benign. Review status: criteria provided, multiple submitters, no conflicts (2 of 4 stars). 3 submissions from 3 submitters: Likely benign (2). 1 of the submissions does not count toward it. Last evaluated 2025-12-24.

Conditions:
IL6ST-related disorder. Also called: IL6ST-related condition.

Allele frequency attached by ClinVar (database versions not stated): ExAC 0.00003; gnomAD exomes 0.00004 and 0.00007; ESP Exome Variant Server 0.00008; gnomAD 0.00009 and 0.00010; TOPMed 0.00011.
gnomAD v4.1: 124 of 1,607,850 alleles (0.0077%); highest among the groups gnomAD compares: Middle Eastern, 0.019%; no homozygotes.

Submissions (3):

Labcorp Genetics (formerly Invitae), Labcorp
Classification: Likely benign. Last evaluated: 2025-12-24. Review status: criteria provided, single submitter. Criteria: Invitae Variant Classification Sherloc (09022015). Collection method: clinical testing. Allele origin: germline.

Blueprint Genetics
Classification: Likely benign. Last evaluated: 2020-05-04. Review status: criteria provided, single submitter. Criteria: ACMG Guidelines, 2015. Collection method: clinical testing. Allele origin: germline.

PreventionGenetics, part of Exact Sciences
Classification: Likely benign for IL6ST-related condition. Last evaluated: 2021-07-29. Review status: no assertion criteria provided. Collection method: clinical testing. Allele origin: germline. Not counted in ClinVar's aggregate classification.
Comment: This variant is classified as likely benign based on ACMG/AMP sequence variant interpretation guidelines (Richards et al. 2015 PMID: 25741868, with internal and published modifications).

NM_002184.4(IL6ST):c.1992C>T (p.Ala664=)

Gene: IL6ST (interleukin 6 cytokine family signal transducer; minus strand). Cytogenetic location: 5q11.2.
Variant type: single nucleotide variant.
Coding change: c.1992C>T on transcript NM_002184.4 (MANE Select); coding-DNA position 1992, C replaced by T.
Protein change: p.Ala664=; no amino-acid change (alanine 664 retained).
Molecular consequence: synonymous variant. On other transcripts: 3 prime UTR variant (1), non-coding transcript variant (2).
Genome position (GRCh38, 1-based): chr5:55,942,697, G>A on the plus strand (C>T on the coding strand, the complement: IL6ST is on the minus strand). VCF-style: chr5-55942697-G-A. GRCh37 (hg19) VCF-style: chr5-55238525-G-A.
Other names: c.1992C>T (NM_002184.3); c.1809C>T, p.Ala603= (NM_001190981.2); c.1890C>T, p.Ala630= (NM_001364275.2); c.1782C>T, p.Ala594= (NM_001364276.2); c.1125C>T, p.Ala375= (NM_001364277.2); c.1089C>T, p.Ala363= (NM_001364278.2); c.996C>T, p.Ala332= (NM_001364279.2); c.*919C>T (NM_175767.3).
Identifiers: ClinVar variation 1585232 (VCV001585232.11), dbSNP rs371238130, ClinGen allele CA3271238.